The following is an entry in ClinVar:

NM_025009.5(CEP135):c.2071del (p.Arg691fs)

Gene: CEP135 (centrosomal protein 135; plus strand). Cytogenetic location: 4q12.
Variant type: Deletion.
Coding change: c.2071del on transcript NM_025009.5 (MANE Select); coding-DNA position 2071, one base deleted (A; older notation c.2071delA).
Protein change: p.Arg691fs; shifts the reading frame from arginine 691.
Molecular consequence: frameshift variant.
Genome position (GRCh38, 1-based): chr4:55,999,363, A deleted; the last of 5 consecutive A bases (chr4:55,999,359-55,999,363); deleting any one gives the same sequence. VCF-style (leftmost placement, unchanged base first): chr4-55999358-TA-T. GRCh37 (hg19) VCF-style: chr4-56865524-TA-T.
Other names: short protein forms R691fs.
Identifiers: ClinVar variation 1942878 (VCV001942878.5), dbSNP rs779870877, ClinGen allele CA2928048.

ClinVar aggregate classification (germline): Pathogenic (1 of 4 stars; one submission).

Submission:

Labcorp Genetics (formerly Invitae), Labcorp
Classification: Pathogenic. Last evaluated: 2024-10-25. Review status: criteria provided, single submitter. Criteria: Invitae Variant Classification Sherloc (09022015). Collection method: clinical testing. Allele origin: germline.
Comment: This sequence change creates a premature translational stop signal (p.Arg691Glufs*18) in the CEP135 gene. It is expected to result in an absent or disrupted protein product. Loss-of-function variants in CEP135 are known to be pathogenic (PMID: 22521416, 26657937). This variant is present in population databases (rs779870877, gnomAD 0.0009%). This variant has not been reported in the literature in individuals affected with CEP135-related conditions. ClinVar contains an entry for this variant (Variation ID: 1942878). For these reasons, this variant has been classified as Pathogenic.

Literature cited by the submitters: PubMed 22521416; PubMed 26657937.